The following is an entry in ClinVar:

NM_014975.3(MAST1):c.3162C>A (p.Phe1054Leu)

Gene: MAST1 (microtubule associated serine/threonine kinase 1; plus strand). Cytogenetic location: 19p13.13.
Variant type: single nucleotide variant.
Coding change: c.3162C>A on transcript NM_014975.3 (MANE Select); coding-DNA position 3162, C replaced by A.
Protein change: p.Phe1054Leu; replaces phenylalanine 1054 with leucine.
Molecular consequence: missense variant.
Genome position (GRCh38, 1-based): chr19:12,871,071, C>A. VCF-style: chr19-12871071-C-A. GRCh37 (hg19) VCF-style: chr19-12981885-C-A.
Other names: short protein forms F1054L.
Identifiers: ClinVar variation 2023423 (VCV002023423.4), dbSNP rs770141518, ClinGen allele CA404284513.

ClinVar aggregate classification (germline): Uncertain significance (1 of 4 stars; one submission).

Submission:

Labcorp Genetics (formerly Invitae), Labcorp
Classification: Uncertain significance. Last evaluated: 2022-08-10. Review status: criteria provided, single submitter. Criteria: Invitae Variant Classification Sherloc (09022015). Collection method: clinical testing. Allele origin: germline.
Comment: This variant is not present in population databases (gnomAD no frequency). This sequence change replaces phenylalanine, which is neutral and non-polar, with leucine, which is neutral and non-polar, at codon 1054 of the MAST1 protein (p.Phe1054Leu). This variant has not been reported in the literature in individuals affected with MAST1-related conditions. Algorithms developed to predict the effect of missense changes on protein structure and function (SIFT, PolyPhen-2, Align-GVGD) all suggest that this variant is likely to be tolerated. In summary, the available evidence is currently insufficient to determine the role of this variant in disease. Therefore, it has been classified as a Variant of Uncertain Significance.